The following is an entry in ClinVar:

NM_003791.4(MBTPS1):c.2628G>A (p.Pro876=)

Gene: MBTPS1 (membrane bound transcription factor peptidase, site 1; minus strand). Cytogenetic location: 16q23.3.
Variant type: single nucleotide variant.
Coding change: c.2628G>A on transcript NM_003791.4 (MANE Select); coding-DNA position 2628, G replaced by A.
Protein change: p.Pro876=; no amino-acid change (proline 876 retained).
Molecular consequence: synonymous variant.
Genome position (GRCh38, 1-based): chr16:84,060,758, C>T on the plus strand (G>A on the coding strand, the complement: MBTPS1 is on the minus strand). VCF-style: chr16-84060758-C-T. GRCh37 (hg19) VCF-style: chr16-84094363-C-T.
Other names: c.2628G>A (NM_003791.3).
Identifiers: ClinVar variation 1298670 (VCV001298670.40), dbSNP rs200652370, ClinGen allele CA8200818.

ClinVar aggregate classification (germline): Likely benign. Review status: criteria provided, multiple submitters, no conflicts (2 of 4 stars). 4 submissions from 4 submitters: Likely benign (3). 1 of the submissions does not count toward it. Last evaluated 2024-11-30.

Conditions:
MBTPS1-related disorder. Also called: MBTPS1-related condition.

Allele frequency attached by ClinVar (database versions not stated): gnomAD 0.00005 and 0.00007; TOPMed 0.00007; ESP Exome Variant Server 0.00008; gnomAD exomes 0.00012 and 0.00013; ExAC 0.00014; 1000 Genomes Project 30x 0.00016; 1000 Genomes Project 0.00020.
gnomAD v4.1: 189 of 1,609,598 alleles (0.012%); highest among the groups gnomAD compares: Middle Eastern, 0.73%; 2 homozygotes.

Submissions (4):

Labcorp Genetics (formerly Invitae), Labcorp
Classification: Likely benign. Last evaluated: 2024-11-30. Review status: criteria provided, single submitter. Criteria: Invitae Variant Classification Sherloc (09022015). Collection method: clinical testing. Allele origin: germline.

Blueprint Genetics
Classification: Likely benign. Last evaluated: 2024-10-15. Review status: criteria provided, single submitter. Criteria: ACMG Guidelines, 2015. Collection method: clinical testing. Allele origin: germline.

CeGaT Center for Human Genetics Tuebingen
Classification: Likely benign. Last evaluated: 2021-08-01. Review status: criteria provided, single submitter. Criteria: CeGaT Center For Human Genetics Tuebingen Variant Classification Criteria Version 2. Collection method: clinical testing. Allele origin: germline. Affected: yes. Observed: 1 variant allele.

PreventionGenetics, part of Exact Sciences
Classification: Likely benign for MBTPS1-related condition. Last evaluated: 2019-07-23. Review status: no assertion criteria provided. Collection method: clinical testing. Allele origin: germline. Not counted in ClinVar's aggregate classification.
Comment: This variant is classified as likely benign based on ACMG/AMP sequence variant interpretation guidelines (Richards et al. 2015 PMID: 25741868, with internal and published modifications).